The following is an entry in ClinVar:

ClinVar aggregate classification (germline): Uncertain significance. Review status: criteria provided, multiple submitters, no conflicts (2 of 4 stars). 4 submissions from 4 submitters: Uncertain significance (4). Last evaluated 2025-08-30.

Conditions:
Inborn genetic diseases. Identifiers: MedGen C0950123, MeSH D030342.
Autosomal dominant polycystic kidney disease. Identifiers: Orphanet 730, MedGen C0085413, MONDO:0004691.

Allele frequency attached by ClinVar (database versions not stated): gnomAD exomes 0.00005 and 0.00001; ExAC 0.00002; TOPMed 0.00004; gnomAD 0.00005.
gnomAD v4.1: 78 of 1,612,426 alleles (0.0048%); highest among the groups gnomAD compares: Non-Finnish European, 0.0064%; no homozygotes.

Submissions (4):

Ambry Genetics
Classification: Uncertain significance for Inborn genetic diseases. Last evaluated: 2025-08-30. Review status: criteria provided, single submitter. Criteria: Ambry Variant Classification Scheme 2023. Collection method: clinical testing. Allele origin: germline.

Labcorp Genetics (formerly Invitae), Labcorp
Classification: Uncertain significance for Autosomal dominant polycystic kidney disease. Last evaluated: 2025-07-10. Review status: criteria provided, single submitter. Criteria: Invitae Variant Classification Sherloc (09022015). Collection method: clinical testing. Allele origin: germline.
Comment: This sequence change replaces aspartic acid, which is acidic and polar, with asparagine, which is neutral and polar, at codon 625 of the PKD2 protein (p.Asp625Asn). This variant is present in population databases (rs757573744, gnomAD 0.004%). This variant has not been reported in the literature in individuals affected with PKD2-related conditions. ClinVar contains an entry for this variant (Variation ID: 653583). Invitae Evidence Modeling of protein sequence and biophysical properties (such as structural, functional, and spatial information, amino acid conservation, physicochemical variation, residue mobility, and thermodynamic stability) indicates that this missense variant is not expected to disrupt PKD2 protein function with a negative predictive value of 80%. In summary, the available evidence is currently insufficient to determine the role of this variant in disease. Therefore, it has been classified as a Variant of Uncertain Significance.

Women's Health and Genetics/Laboratory Corporation of America, LabCorp
Classification: Uncertain significance. Last evaluated: 2025-03-21. Review status: criteria provided, single submitter. Criteria: LabCorp Variant Classification Summary - May 2015. Collection method: clinical testing. Allele origin: germline.
Comment: Variant summary: PKD2 c.1873G>A (p.Asp625Asn) results in a conservative amino acid change located in the cation channel region (IPR013122) of the encoded protein sequence. Three of five in-silico tools predict a benign effect of the variant on protein function. The variant allele was found at a frequency of 4.9e-05 in 1605446 control chromosomes in the gnomAD database (v4.1 dataset). This frequency is not higher than the maximum estimated for a pathogenic variant in PKD2 causing Polycystic Kidney Disease 2 (0.00013), allowing no conclusion about variant significance. To our knowledge, no occurrence of c.1873G>A in individuals affected with Polycystic Kidney Disease 2 and no experimental evidence demonstrating its impact on protein function have been reported. ClinVar contains an entry for this variant (Variation ID: 653583). Based on the evidence outlined above, the variant was classified as uncertain significance.

CeGaT Center for Human Genetics Tuebingen
Classification: Uncertain significance. Last evaluated: 2024-12-01. Review status: criteria provided, single submitter. Criteria: CeGaT Center For Human Genetics Tuebingen Variant Classification Criteria Version 2. Collection method: clinical testing. Allele origin: germline. Affected: yes. Observed: 2 variant alleles.

NM_000297.4(PKD2):c.1873G>A (p.Asp625Asn)

Gene: PKD2 (polycystin 2, transient receptor potential cation channel; plus strand). Cytogenetic location: 4q22.1.
Variant type: single nucleotide variant.
Coding change: c.1873G>A on transcript NM_000297.4 (MANE Select); coding-DNA position 1873, G replaced by A.
Protein change: p.Asp625Asn; replaces aspartic acid 625 with asparagine.
Molecular consequence: missense variant. On other transcripts: non-coding transcript variant (1).
Genome position (GRCh38, 1-based): chr4:88,056,242, G>A. VCF-style: chr4-88056242-G-A. GRCh37 (hg19) VCF-style: chr4-88977394-G-A.
Other names: short protein forms D625N.
Identifiers: ClinVar variation 653583 (VCV000653583.37), dbSNP rs757573744, ClinGen allele CA3004064.